The following is an entry in ClinVar:

ClinVar aggregate classification (germline): Uncertain significance (1 of 4 stars; one submission).

Conditions:
Charcot-Marie-Tooth disease type 2. Also called: Charcot-Marie-Tooth type 2. Identifiers: Orphanet 64746, MedGen C0270914, MONDO:0018993.

Submission:

Labcorp Genetics (formerly Invitae), Labcorp
Classification: Uncertain significance for Charcot-Marie-Tooth disease type 2. Last evaluated: 2022-02-09. Review status: criteria provided, single submitter. Criteria: Invitae Variant Classification Sherloc (09022015). Collection method: clinical testing. Allele origin: germline.
Comment: In summary, the available evidence is currently insufficient to determine the role of this variant in disease. Therefore, it has been classified as a Variant of Uncertain Significance. Algorithms developed to predict the effect of missense changes on protein structure and function are either unavailable or do not agree on the potential impact of this missense change (SIFT: "Tolerated"; PolyPhen-2: "Probably Damaging"; Align-GVGD: "Class C0"). This variant has not been reported in the literature in individuals affected with MFN2-related conditions. This variant is not present in population databases (gnomAD no frequency). This sequence change replaces arginine, which is basic and polar, with glycine, which is neutral and non-polar, at codon 564 of the MFN2 protein (p.Arg564Gly).

NM_014874.4(MFN2):c.1690C>G (p.Arg564Gly)

Genes: MFN2 (mitofusin 2; plus strand), LOC129929426 (ATAC-STARR-seq lymphoblastoid active region 185; plus strand). Cytogenetic location: 1p36.22.
Variant type: single nucleotide variant.
Coding change: c.1690C>G on transcript NM_014874.4 (MANE Select); coding-DNA position 1690, C replaced by G.
Protein change: p.Arg564Gly; replaces arginine 564 with glycine.
Molecular consequence: missense variant.
Genome position (GRCh38, 1-based): chr1:12,005,905, C>G. VCF-style: chr1-12005905-C-G. GRCh37 (hg19) VCF-style: chr1-12065962-C-G.
Other names: c.1690C>G, p.Arg564Gly (NM_001127660.2); short protein forms R564G.
Identifiers: ClinVar variation 2091768 (VCV002091768.4), dbSNP rs545454816, ClinGen allele CA338448241.
Genomic context (GRCh38, chr1:12,005,905, plus strand): 5'-CATTTCTCTCTCGGATGGACCATGCTGGTGAATAGGTTCCTGGGCCCCAAGAACAGCCGT[C>G]GGGCCTTGATGGGCTACAATGACCAGGCAAGCAAAGTTCCTCACCTCAAGGGCATTGTGG-3'
Protein context (NP_055689.1, residues 554-574): NRFLGPKNSR[Arg564Gly]ALMGYNDQVQ